The following is an entry in ClinVar:

ClinVar aggregate classification (germline): Uncertain significance (1 of 4 stars; one submission).

Submission:

Ambry Genetics
Classification: Uncertain significance. Last evaluated: 2023-12-31. Review status: criteria provided, single submitter. Criteria: Ambry Variant Classification Scheme 2023. Collection method: clinical testing. Allele origin: germline.
Comment: The p.Q1327L variant (also known as c.3980A>T), located in coding exon 16 of the POLQ gene, results from an A to T substitution at nucleotide position 3980. The glutamine at codon 1327 is replaced by leucine, an amino acid with dissimilar properties. This amino acid position is conserved. In addition, the in silico prediction for this alteration is inconclusive. Since supporting evidence is limited at this time, the clinical significance of this alteration remains unclear.

NM_199420.4(POLQ):c.3980A>T (p.Gln1327Leu)

Gene: POLQ (DNA polymerase theta; minus strand). Cytogenetic location: 3q13.33.
Variant type: single nucleotide variant.
Coding change: c.3980A>T on transcript NM_199420.4 (MANE Select); coding-DNA position 3980, A replaced by T.
Protein change: p.Gln1327Leu; replaces glutamine 1327 with leucine.
Molecular consequence: missense variant.
Genome position (GRCh38, 1-based): chr3:121,488,951, T>A on the plus strand (A>T on the coding strand, the complement: POLQ is on the minus strand). VCF-style: chr3-121488951-T-A. GRCh37 (hg19) VCF-style: chr3-121207798-T-A.
Other names: short protein forms Q1327L.
Identifiers: ClinVar variation 3229975 (VCV003229975.1), dbSNP rs780377860, ClinGen allele CA354096504.